The following is an entry in ClinVar:

NM_001130823.3(DNMT1):c.803+1G>C

Gene: DNMT1 (DNA methyltransferase 1; minus strand). Cytogenetic location: 19p13.2.
Variant type: single nucleotide variant.
Coding change: c.803+1G>C on transcript NM_001130823.3 (MANE Select); the canonical splice donor site of the intron after coding-DNA position 803, G replaced by C.
Molecular consequence: splice donor variant.
Genome position (GRCh38, 1-based): chr19:10,168,329, C>G on the plus strand (G>C on the coding strand, the complement: DNMT1 is on the minus strand). VCF-style: chr19-10168329-C-G. GRCh37 (hg19) VCF-style: chr19-10279005-C-G.
Other names: c.440+1G>C (NM_001318731.2); c.755+1G>C (NM_001379.4, NM_001318730.2).
Identifiers: ClinVar variation 3359435 (VCV003359435.1).
Genomic context (GRCh38, chr19:10,168,329, plus strand): 5'-GATACTTATGTTAGCAATTCAGTTTCACAACAAAGCACAAAGGCAGGTTCGCTGCACTTA[C>G]GGTTCTTTGGTTTGACTTCGGAGTCTCTTTTCTTCCTAAGTTGCAGGGAAAAAAGACAAG-3'

ClinVar aggregate classification (germline): Uncertain significance (1 of 4 stars; one submission).

Submission:

GeneDx
Classification: Uncertain significance. Last evaluated: 2023-06-05. Review status: criteria provided, single submitter. Criteria: GeneDx Variant Classification Process June 2021. Collection method: clinical testing. Allele origin: germline. Affected: yes.
Comment: Not observed at significant frequency in large population cohorts (gnomAD); Canonical splice site variant in a gene for which loss of function is not an established mechanism of disease; Has not been previously published as pathogenic or benign to our knowledge